The following is an entry in ClinVar:

NM_006231.4(POLE):c.6761A>C (p.Gln2254Pro)

Gene: POLE (DNA polymerase epsilon, catalytic subunit; minus strand). Cytogenetic location: 12q24.33.
Variant type: single nucleotide variant.
Coding change: c.6761A>C on transcript NM_006231.4 (MANE Select); coding-DNA position 6761, A replaced by C.
Protein change: p.Gln2254Pro; replaces glutamine 2254 with proline.
Molecular consequence: missense variant.
Genome position (GRCh38, 1-based): chr12:132,624,797, T>G on the plus strand (A>C on the coding strand, the complement: POLE is on the minus strand). VCF-style: chr12-132624797-T-G. GRCh37 (hg19) VCF-style: chr12-133201383-T-G.
Other names: short protein forms Q2254P.
Identifiers: ClinVar variation 540717 (VCV000540717.8), dbSNP rs1555300757, ClinGen allele CA387365881.

ClinVar aggregate classification (germline): Uncertain significance (1 of 4 stars; one submission).

Submission:

Labcorp Genetics (formerly Invitae), Labcorp
Classification: Uncertain significance. Last evaluated: 2017-11-01. Review status: criteria provided, single submitter. Criteria: Invitae Variant Classification Sherloc (09022015). Collection method: clinical testing. Allele origin: germline.
Comment: This sequence change replaces glutamine with proline at codon 2254 of the POLE protein (p.Gln2254Pro). The glutamine residue is moderately conserved and there is a moderate physicochemical difference between glutamine and proline. In summary, the available evidence is currently insufficient to determine the role of this variant in disease. Therefore, it has been classified as a Variant of Uncertain Significance. Algorithms developed to predict the effect of missense changes on protein structure and function (SIFT, PolyPhen-2, Align-GVGD) all suggest that this variant is likely to be tolerated, but these predictions have not been confirmed by published functional studies and their clinical significance is uncertain. This variant has not been reported in the literature in individuals with POLE-related disease. This variant is not present in population databases (ExAC no frequency).